The following is an entry in ClinVar:

ClinVar aggregate classification (germline): Uncertain significance (1 of 4 stars; one submission).

Allele frequency attached by ClinVar (database versions not stated): gnomAD exomes below 0.00001.
gnomAD v4.1: 1 of 1,508,954 alleles (0.000066%); highest among the groups gnomAD compares: Non-Finnish European, 0.000088%; no homozygotes.

Submission:

CeGaT Center for Human Genetics Tuebingen
Classification: Uncertain significance. Last evaluated: 2023-04-01. Review status: criteria provided, single submitter. Criteria: CeGaT Center For Human Genetics Tuebingen Variant Classification Criteria Version 2. Collection method: clinical testing. Allele origin: germline. Affected: yes. Observed: 1 variant allele.
Comment: CACNA1E: PM2

NM_001205293.3(CACNA1E):c.2564C>T (p.Ser855Phe)

Gene: CACNA1E (calcium voltage-gated channel subunit alpha1 E; plus strand). Cytogenetic location: 1q25.3.
Variant type: single nucleotide variant.
Coding change: c.2564C>T on transcript NM_001205293.3 (MANE Select); coding-DNA position 2564, C replaced by T.
Protein change: p.Ser855Phe; replaces serine 855 with phenylalanine.
Molecular consequence: missense variant.
Genome position (GRCh38, 1-based): chr1:181,732,650, C>T. VCF-style: chr1-181732650-C-T. GRCh37 (hg19) VCF-style: chr1-181701786-C-T.
Other names: c.2564C>T, p.Ser855Phe (NM_000721.4); c.2507C>T, p.Ser836Phe (NM_001205294.2); short protein forms S836F, S855F.
Identifiers: ClinVar variation 2570743 (VCV002570743.27), dbSNP rs2528696140, ClinGen allele CA343617759.